The following is an entry in ClinVar:

NM_001244926.2(PRPF4):c.1298G>A (p.Trp433Ter)

Gene: PRPF4 (pre-mRNA splicing tri-snRNP complex factor PRPF4; plus strand). Cytogenetic location: 9q32.
Variant type: single nucleotide variant.
Coding change: c.1298G>A on transcript NM_001244926.2 (MANE Select); coding-DNA position 1298, G replaced by A.
Protein change: p.Trp433Ter; replaces tryptophan 433 with a stop codon.
Molecular consequence: nonsense. On other transcripts: non-coding transcript variant (2).
Genome position (GRCh38, 1-based): chr9:113,290,942, G>A. VCF-style: chr9-113290942-G-A. GRCh37 (hg19) VCF-style: chr9-116053222-G-A.
Other names: c.572G>A, p.Trp191Ter (NM_001322266.2, NM_001322267.2); c.1301G>A, p.Trp434Ter (NM_004697.5); short protein forms W433*, W191*, W434*.
Identifiers: ClinVar variation 3657695 (VCV003657695.2).

ClinVar aggregate classification (germline): Uncertain significance (1 of 4 stars; one submission).

Submission:

Labcorp Genetics (formerly Invitae), Labcorp
Classification: Uncertain significance. Last evaluated: 2025-10-20. Review status: criteria provided, single submitter. Criteria: Invitae Variant Classification Sherloc (09022015). Collection method: clinical testing. Allele origin: germline.
Comment: This sequence change creates a premature translational stop signal (p.Trp434*) in the PRPF4 gene. It is expected to result in an absent or disrupted protein product. However, the current clinical and genetic evidence is not sufficient to establish whether loss-of-function variants in PRPF4 cause disease. This variant is not present in population databases (gnomAD no frequency). This variant has not been reported in the literature in individuals affected with PRPF4-related conditions. ClinVar contains an entry for this variant (Variation ID: 3657695). In summary, the available evidence is currently insufficient to determine the role of this variant in disease. Therefore, it has been classified as a Variant of Uncertain Significance.